The following is an entry in ClinVar:

NM_183381.3(RNF13):c.921A>C (p.Glu307Asp)

Gene: RNF13 (ring finger protein 13; plus strand). Cytogenetic location: 3q25.1.
Variant type: single nucleotide variant.
Coding change: c.921A>C on transcript NM_183381.3 (MANE Select); coding-DNA position 921, A replaced by C.
Protein change: p.Glu307Asp; replaces glutamic acid 307 with aspartic acid.
Molecular consequence: missense variant. On other transcripts: non-coding transcript variant (1).
Genome position (GRCh38, 1-based): chr3:149,960,879, A>C. VCF-style: chr3-149960879-A-C. GRCh37 (hg19) VCF-style: chr3-149678666-A-C.
Other names: c.921A>C, p.Glu307Asp (NM_001378285.1, NM_001378286.1, NM_007282.4); c.564A>C, p.Glu188Asp (NM_001378287.1, NM_001378288.1, NM_001378289.1 and 2 more transcripts); c.528A>C, p.Glu176Asp (NM_001378291.1); short protein forms E188D, E307D, E176D.
Identifiers: ClinVar variation 2971552 (VCV002971552.3), dbSNP rs2473635482, ClinGen allele CA354935922.

ClinVar aggregate classification (germline): Uncertain significance (1 of 4 stars; one submission).

Allele frequency attached by ClinVar (database versions not stated): gnomAD exomes below 0.00001.
gnomAD v4.1: 1 of 1,614,210 alleles (0.000062%); highest among the groups gnomAD compares: Non-Finnish European, 0.000085%; no homozygotes.

Submission:

Labcorp Genetics (formerly Invitae), Labcorp
Classification: Uncertain significance. Last evaluated: 2023-10-17. Review status: criteria provided, single submitter. Criteria: Invitae Variant Classification Sherloc (09022015). Collection method: clinical testing. Allele origin: germline.
Comment: This sequence change replaces glutamic acid, which is acidic and polar, with aspartic acid, which is acidic and polar, at codon 307 of the RNF13 protein (p.Glu307Asp). This variant is not present in population databases (gnomAD no frequency). This variant has not been reported in the literature in individuals affected with RNF13-related conditions. Advanced modeling of protein sequence and biophysical properties (such as structural, functional, and spatial information, amino acid conservation, physicochemical variation, residue mobility, and thermodynamic stability) performed at Invitae indicates that this missense variant is not expected to disrupt RNF13 protein function. In summary, the available evidence is currently insufficient to determine the role of this variant in disease. Therefore, it has been classified as a Variant of Uncertain Significance.